The following is an entry in ClinVar:

ClinVar aggregate classification (germline): Uncertain significance (1 of 4 stars; one submission).

Allele frequency attached by ClinVar (database versions not stated): gnomAD exomes below 0.00001 and 0.00001; ExAC 0.00001; gnomAD 0.00001; TOPMed 0.00003.
gnomAD v4.1: 12 of 1,614,096 alleles (0.00074%); highest among the groups gnomAD compares: African/African-American, 0.0013%; no homozygotes.

Submission:

Labcorp Genetics (formerly Invitae), Labcorp
Classification: Uncertain significance. Last evaluated: 2021-02-04. Review status: criteria provided, single submitter. Criteria: Invitae Variant Classification Sherloc (09022015). Collection method: clinical testing. Allele origin: germline.
Comment: In summary, the available evidence is currently insufficient to determine the role of this variant in disease. Therefore, it has been classified as a Variant of Uncertain Significance. Algorithms developed to predict the effect of missense changes on protein structure and function (SIFT, PolyPhen-2, Align-GVGD) all suggest that this variant is likely to be tolerated, but these predictions have not been confirmed by published functional studies and their clinical significance is uncertain. This variant has not been reported in the literature in individuals with ITPR3-related conditions. This variant is present in population databases (rs763353037, ExAC 0.01%). This sequence change replaces arginine with glutamine at codon 1795 of the ITPR3 protein (p.Arg1795Gln). The arginine residue is moderately conserved and there is a small physicochemical difference between arginine and glutamine.

NM_002224.4(ITPR3):c.5384G>A (p.Arg1795Gln)

Gene: ITPR3 (inositol 1,4,5-trisphosphate receptor type 3; plus strand). Cytogenetic location: 6p21.31.
Variant type: single nucleotide variant.
Coding change: c.5384G>A on transcript NM_002224.4 (MANE Select); coding-DNA position 5384, G replaced by A.
Protein change: p.Arg1795Gln; replaces arginine 1795 with glutamine.
Molecular consequence: missense variant.
Genome position (GRCh38, 1-based): chr6:33,685,435, G>A. VCF-style: chr6-33685435-G-A. GRCh37 (hg19) VCF-style: chr6-33653212-G-A.
Other names: short protein forms R1795Q.
Identifiers: ClinVar variation 1369468 (VCV001369468.8), dbSNP rs763353037, ClinGen allele CA3761547.
Genomic context (GRCh38, chr6:33,685,435, plus strand): 5'-TGATGATGAGTGACAAGAAGTCAGAGCGCTTCTTCAAGGTGCTGCACGACCGCATGAAGC[G>A]GGCCCAGCAGGAGACCAAGTCCACGGTGGCAGTCAACATGAATGACCTGGGCAGCCAGCC-3'
Protein context (NP_002215.2, residues 1785-1805): FFKVLHDRMK[Arg1795Gln]AQQETKSTVA